The following is an entry in ClinVar:

NM_021167.5(GATAD1):c.385G>A (p.Ala129Thr)

Gene: GATAD1 (GATA zinc finger domain containing 1; plus strand). Cytogenetic location: 7q21.2.
Variant type: single nucleotide variant.
Coding change: c.385G>A on transcript NM_021167.5 (MANE Select); coding-DNA position 385, G replaced by A.
Protein change: p.Ala129Thr; replaces alanine 129 with threonine.
Molecular consequence: missense variant. On other transcripts: non-coding transcript variant (1).
Genome position (GRCh38, 1-based): chr7:92,450,710, G>A. VCF-style: chr7-92450710-G-A. GRCh37 (hg19) VCF-style: chr7-92080024-G-A.
Other names: short protein forms A129T.
Identifiers: ClinVar variation 3519077 (VCV003519077.1).

ClinVar aggregate classification (germline): Uncertain significance (1 of 4 stars; one submission).

Conditions:
Cardiovascular phenotype. Identifiers: MedGen CN230736.

Submission:

Ambry Genetics
Classification: Uncertain significance for Cardiovascular phenotype. Last evaluated: 2024-08-23. Review status: criteria provided, single submitter. Criteria: Ambry Variant Classification Scheme 2023. Collection method: clinical testing. Allele origin: germline.
Comment: The p.A129T variant (also known as c.385G>A), located in coding exon 3 of the GATAD1 gene, results from a G to A substitution at nucleotide position 385. The alanine at codon 129 is replaced by threonine, an amino acid with similar properties. This amino acid position is conserved. In addition, the in silico prediction for this alteration is inconclusive. Based on the available evidence, the clinical significance of this variant remains unclear.